The following is an entry in ClinVar:

Conditions:
Breast-ovarian cancer, familial, susceptibility to, 1 (BROVCA1). Also called: BRCA1 Hereditary Breast and Ovarian Cancer; OVARIAN CANCER, SUSCEPTIBILITY TO. Identifiers: Orphanet 145, MedGen C2676676, MONDO:0011450, OMIM 604370. Disease mechanism: loss of function.

Submission:

Brotman Baty Institute, University of Washington
No classification provided (evidence only). Condition: Breast-ovarian cancer, familial 1. Review status: no classification provided. Collection method: in vitro. Allele origin: not applicable. Functional consequence: functionally_abnormal.
ClinVar note: "not provided" was previously submitted as the classification for the variant. However, the classification appeared to be based only on an observation of functional data so it was converted to no classification on 2025-07-30.

NM_007294.4(BRCA1):c.191G>T (p.Cys64Phe)

Gene: BRCA1 (BRCA1 DNA repair associated; minus strand). Cytogenetic location: 17q21.31.
Variant type: single nucleotide variant.
Coding change: c.191G>T on transcript NM_007294.4 (MANE Select); coding-DNA position 191, G replaced by T.
Protein change: p.Cys64Phe; replaces cysteine 64 with phenylalanine.
Molecular consequence: missense variant.
Genome position (GRCh38, 1-based): chr17:43,106,477, C>A on the plus strand (G>T on the coding strand, the complement: BRCA1 is on the minus strand). VCF-style: chr17-43106477-C-A. GRCh37 (hg19) VCF-style: chr17-41258494-C-A.
Other names: c.50G>T, p.Cys17Phe (NM_001407728.1, NM_001407729.1, NM_001407730.1 and 99 more transcripts); c.191G>T, p.Cys64Phe (NM_001407854.1, NM_001407858.1, NM_001407859.1 and 168 more transcripts); short protein forms C17F, C64F.
Identifiers: ClinVar variation 867930 (VCV000867930.3), dbSNP rs55851803, ClinGen allele CA10601785.
Genomic context (GRCh38, chr17:43,106,477, plus strand): 5'-TGGTTGCTTCCAACCTAGCATCATTACCAAATTATATACCTTTTGGTTATATCATTCTTA[C>A]ATAAAGGACACTGTGAAGGCCCTTTCTTCTGGTTGAGAAGTTTCAGCATGCAAAATCTAT-3'
Protein context (NP_009225.1, residues 54-74): QKKGPSQCPL[Cys64Phe]KNDITKRSLQ